The following is an entry in ClinVar:

ClinVar aggregate classification (germline): Likely pathogenic (1 of 4 stars; one submission).

Submission:

Quest Diagnostics Nichols Institute San Juan Capistrano
Classification: Likely pathogenic. Last evaluated: 2022-12-16. Review status: criteria provided, single submitter. Criteria: ACMG/ClinGen CNV Guidelines, 2019. Collection method: clinical testing. Allele origin: unknown.
Comment: This loss involves the first exon (NM_002024.6) of FMR1 (OMIM 309550). Missense and loss-of-function variants of FMR1 have been identified in individuals with fragile X syndrome (OMIM 300624). Female carriers may be asymptomatic, exhibit mild symptoms, and/or develop premature ovarian failure (OMIM 311360). There are no similar copy number losses of this region in the general populations of the Database of Genomic Variants. As this deletion is expected to result in loss-of-function of FMR1, this copy number variant (CNV) is classified as likely pathogenic.

GRCh37/hg19 Xq27.3(chrX:146717400-147000407)x1

Genes: FMR1 (fragile X messenger ribonucleoprotein 1; plus strand), FMR1-AS1 (FMR1 antisense RNA 1; minus strand). Cytogenetic location: Xq27.3.
Variant type: copy number loss.
Change: copy number 1 of chrX:146,717,400-147,000,407 (283.0 kb, GRCh37 coordinates, 1-based), cytogenetic band Xq27.3.
Identifiers: ClinVar variation 2685723 (VCV002685723.1).